The following is an entry in ClinVar:

NM_001350451.2(RBFOX3):c.110C>T (p.Thr37Ile)

Gene: RBFOX3 (RNA binding fox-1 homolog 3; minus strand). Cytogenetic location: 17q25.3.
Variant type: single nucleotide variant.
Coding change: c.110C>T on transcript NM_001350451.2 (MANE Select); coding-DNA position 110, C replaced by T.
Protein change: p.Thr37Ile; replaces threonine 37 with isoleucine.
Molecular consequence: missense variant.
Genome position (GRCh38, 1-based): chr17:79,115,606, G>A on the plus strand (C>T on the coding strand, the complement: RBFOX3 is on the minus strand). VCF-style: chr17-79115606-G-A. GRCh37 (hg19) VCF-style: chr17-77111688-G-A.
Other names: c.110C>T, p.Thr37Ile (NM_001385826.1, NM_001385833.1, NM_001385834.1 and 43 more transcripts); short protein forms T37I.
Identifiers: ClinVar variation 1948988 (VCV001948988.6), dbSNP rs968309201, ClinGen allele CA401318072.

ClinVar aggregate classification (germline): Uncertain significance. Review status: criteria provided, multiple submitters, no conflicts (2 of 4 stars). 2 submissions from 2 submitters: Uncertain significance (2). Last evaluated 2023-04-19.

Conditions:
Idiopathic generalized epilepsy. Also called: EIG; Generalised epilepsy. Identifiers: MedGen C0270850, MONDO:0005579, OMIM 600669.

gnomAD v4.1: 2 of 1,429,474 alleles (0.00014%); highest among the groups gnomAD compares: Admixed American, 0.0028%; no homozygotes.

Submissions (2):

Labcorp Genetics (formerly Invitae), Labcorp
Classification: Uncertain significance for Idiopathic generalized epilepsy. Last evaluated: 2023-04-19. Review status: criteria provided, single submitter. Criteria: Invitae Variant Classification Sherloc (09022015). Collection method: clinical testing. Allele origin: germline.
Comment: In summary, the available evidence is currently insufficient to determine the role of this variant in disease. Therefore, it has been classified as a Variant of Uncertain Significance. Advanced modeling of protein sequence and biophysical properties (such as structural, functional, and spatial information, amino acid conservation, physicochemical variation, residue mobility, and thermodynamic stability) performed at Invitae indicates that this missense variant is not expected to disrupt RBFOX3 protein function. ClinVar contains an entry for this variant (Variation ID: 1948988). This variant has not been reported in the literature in individuals affected with RBFOX3-related conditions. The frequency data for this variant in the population databases is considered unreliable, as metrics indicate poor data quality at this position in the gnomAD database. This sequence change replaces threonine, which is neutral and polar, with isoleucine, which is neutral and non-polar, at codon 37 of the RBFOX3 protein (p.Thr37Ile).

Ambry Genetics
Classification: Uncertain significance. Last evaluated: 2022-12-16. Review status: criteria provided, single submitter. Criteria: Ambry Variant Classification Scheme 2023. Collection method: clinical testing. Allele origin: germline.